The following is an entry in ClinVar:

NM_001379451.1(BCORL1):c.2080G>A (p.Val694Met)

Gene: BCORL1 (BCL6 corepressor like 1; plus strand). Cytogenetic location: Xq26.1.
Variant type: single nucleotide variant.
Coding change: c.2080G>A on transcript NM_001379451.1 (MANE Select); coding-DNA position 2080, G replaced by A.
Protein change: p.Val694Met; replaces valine 694 with methionine.
Molecular consequence: missense variant.
Genome position (GRCh38, 1-based): chrX:130,014,852, G>A. VCF-style: chrX-130014852-G-A. GRCh37 (hg19) VCF-style: chrX-129148828-G-A.
Other names: c.2080G>A, p.Val694Met (NM_001184772.3, NM_001379450.1, NM_021946.5); short protein forms V694M.
Identifiers: ClinVar variation 2429280 (VCV002429280.3), dbSNP rs539822611, ClinGen allele CA10514323.

ClinVar aggregate classification (germline): Uncertain significance (1 of 4 stars; one submission).

Allele frequency attached by ClinVar (database versions not stated): ExAC 0.00002; gnomAD exomes 0.00004; TOPMed 0.00004.
gnomAD v4.1: 47 of 1,211,557 alleles (0.0039%); highest among the groups gnomAD compares: African/African-American, 0.0069%; no homozygotes.

Submission:

Women's Health and Genetics/Laboratory Corporation of America, LabCorp
Classification: Uncertain significance. Last evaluated: 2023-01-19. Review status: criteria provided, single submitter. Criteria: LabCorp Variant Classification Summary - May 2015. Collection method: clinical testing. Allele origin: germline.
Comment: Variant summary: BCORL1 c.2080G>A (p.Val694Met) results in a conservative amino acid change in the encoded protein sequence. Four of five in-silico tools predict a benign effect of the variant on protein function. The variant allele was found at a frequency of 3.8e-05 in 183377 control chromosomes. The available data on variant occurrences in the general population are insufficient to allow any conclusion about variant significance. To our knowledge, no occurrence of c.2080G>A in individuals affected with Shukla-Vernon Syndrome and no experimental evidence demonstrating its impact on protein function have been reported. No clinical diagnostic laboratories have submitted clinical-significance assessments for this variant to ClinVar after 2014. Based on the evidence outlined above, the variant was classified as uncertain significance.

Literature cited by the submitters: PubMed 24047651; PubMed 26879601; PubMed 26132940; PubMed 25596268; PubMed 26980726; PubMed 29692343.